The following is an entry in ClinVar:

NM_153717.3(EVC):c.2549C>T (p.Ala850Val)

Gene: EVC (EvC ciliary complex subunit 1; plus strand). Cytogenetic location: 4p16.2.
Variant type: single nucleotide variant.
Coding change: c.2549C>T on transcript NM_153717.3 (MANE Select); coding-DNA position 2549, C replaced by T.
Protein change: p.Ala850Val; replaces alanine 850 with valine.
Molecular consequence: missense variant.
Genome position (GRCh38, 1-based): chr4:5,804,829, C>T. VCF-style: chr4-5804829-C-T. GRCh37 (hg19) VCF-style: chr4-5806556-C-T.
Other names: c.2549C>T, p.Ala850Val (NM_001306090.2); short protein forms A850V.
Identifiers: ClinVar variation 2072755 (VCV002072755.1), dbSNP rs150509782, ClinGen allele CA2836563.

ClinVar aggregate classification (germline): Uncertain significance (1 of 4 stars; one submission).

Conditions:
Curry-Hall syndrome (WAD). Also called: WEYERS ACRODENTAL DYSOSTOSIS. Identifiers: Orphanet 952, MedGen C0457013, MONDO:0008673, OMIM 193530.
Ellis-van Creveld syndrome (EVC). Also called: Chondroectodermal dysplasia; MESOECTODERMAL DYSPLASIA; EVC-Related Ellis-van Creveld Syndrome; EVC2-Related Ellis-van Creveld Syndrome. Identifiers: Orphanet 289, MedGen C0013903, MONDO:0009162, OMIM 225500.

Allele frequency attached by ClinVar (database versions not stated): gnomAD exomes 0.00001; ExAC 0.00002; gnomAD 0.00005; ESP Exome Variant Server 0.00023.
gnomAD v4.1: 28 of 1,613,732 alleles (0.0017%); highest among the groups gnomAD compares: African/African-American, 0.015%; no homozygotes.

Submission:

Labcorp Genetics (formerly Invitae), Labcorp
Classification: Uncertain significance for Curry-Hall syndrome; Ellis-van Creveld syndrome. Last evaluated: 2022-08-06. Review status: criteria provided, single submitter. Criteria: Invitae Variant Classification Sherloc (09022015). Collection method: clinical testing. Allele origin: germline.
Comment: This sequence change replaces alanine, which is neutral and non-polar, with valine, which is neutral and non-polar, at codon 850 of the EVC protein (p.Ala850Val). This variant is present in population databases (rs150509782, gnomAD 0.02%). This variant has not been reported in the literature in individuals affected with EVC-related conditions. Algorithms developed to predict the effect of missense changes on protein structure and function are either unavailable or do not agree on the potential impact of this missense change (SIFT: "Deleterious"; PolyPhen-2: "Benign"; Align-GVGD: "Class C0"). Algorithms developed to predict the effect of sequence changes on RNA splicing suggest that this variant may create or strengthen a splice site. In summary, the available evidence is currently insufficient to determine the role of this variant in disease. Therefore, it has been classified as a Variant of Uncertain Significance.